The following is an entry in ClinVar:

ClinVar aggregate classification (germline): Likely benign (1 of 4 stars; one submission).

Conditions:
Malignant hyperthermia, susceptibility to, 1 (MHS1). Also called: Anesthesia related hyperthermia; Malignant hyperpyrexia; Fulminating hyperpyrexia; Pharmacogenic myopathy; RYR1-Related Malignant Hyperthermia Susceptibility; Malignant hyperthermia suceptibility 1. Identifiers: Orphanet 423, MedGen C2930980, MONDO:0007783, OMIM 145600.

gnomAD v4.1: 1 of 1,612,998 alleles (0.000062%); highest among the groups gnomAD compares: Non-Finnish European, 0.000085%; no homozygotes.

Submission:

All of Us Research Program, National Institutes of Health
Classification: Likely benign for Malignant hyperthermia, susceptibility to, 1. Last evaluated: 2023-11-02. Review status: criteria provided, single submitter. Criteria: ACMG Guidelines, 2015. Collection method: clinical testing. Allele origin: germline. Inheritance: Autosomal dominant inheritance. Observed: 1 variant allele, 1 heterozygote.
Comment: This study involves interpretation of variants in research participants for the purpose of population health screening. Participant phenotype was not available at the time of variant classification. Additional details can be found in publication PMID: 35346344, PMCID: PMC8962531

NM_000540.3(RYR1):c.9686-3C>T

Gene: RYR1 (ryanodine receptor 1; plus strand). Cytogenetic location: 19q13.2.
Variant type: single nucleotide variant.
Coding change: c.9686-3C>T on transcript NM_000540.3 (MANE Select); 3 bases into the intron before coding-DNA position 9686, C replaced by T.
Molecular consequence: intron variant.
Genome position (GRCh38, 1-based): chr19:38,517,356, C>T. VCF-style: chr19-38517356-C-T. GRCh37 (hg19) VCF-style: chr19-39007996-C-T.
Other names: c.9686-3C>T (NM_001042723.2).
Identifiers: ClinVar variation 3074383 (VCV003074383.1), dbSNP rs1248966971, ClinGen allele CA2584904071.
Genomic context (GRCh38, chr19:38,517,356, plus strand): 5'-GCCAGGGCACTGAGGTCTGGGGGTGATGGCTTGACATTCCCTGCCCCCGTCCCTGTACCC[C>T]AGTCCTGGGGCTCCCCAACAGTGTGGAGGAGATGTGTCCCGACATCCCGGTGCTGGAGCG-3'